The following is an entry in ClinVar:

NC_000016.9:g.(?_56897620)_(56906303_?)del

Gene: SLC12A3 (solute carrier family 12 member 3; plus strand). Cytogenetic location: 16q13.
Variant type: Deletion.
Identifiers: ClinVar variation 2422928 (VCV002422928.2).

ClinVar aggregate classification (germline): Pathogenic (1 of 4 stars; one submission).

Submission:

Labcorp Genetics (formerly Invitae), Labcorp
Classification: Pathogenic. Last evaluated: 2022-08-08. Review status: criteria provided, single submitter. Criteria: Invitae Variant Classification Sherloc (09022015). Collection method: clinical testing. Allele origin: germline.
Comment: For these reasons, this variant has been classified as Pathogenic. This variant has not been reported in the literature in individuals affected with SLC12A3-related conditions. This variant results in the deletion of exons 1-6 and part of exon 7 (c.-1528_893delins55) of the SLC12A3 gene. It is expected to result in an absent or disrupted protein product. Loss-of-function variants in SLC12A3 are known to be pathogenic (PMID: 20848653, 22009145, 25841442).

Literature cited by the submitters: PubMed 20848653; PubMed 22009145; PubMed 25841442.